The following is an entry in ClinVar:

NM_000432.4(MYL2):c.421G>A (p.Ala141Thr)

Gene: MYL2 (myosin light chain 2; minus strand). Cytogenetic location: 12q24.11.
Variant type: single nucleotide variant.
Coding change: c.421G>A on transcript NM_000432.4 (MANE Select); coding-DNA position 421, G replaced by A.
Protein change: p.Ala141Thr; replaces alanine 141 with threonine.
Molecular consequence: missense variant.
Genome position (GRCh38, 1-based): chr12:110,911,157, C>T on the plus strand (G>A on the coding strand, the complement: MYL2 is on the minus strand). VCF-style: chr12-110911157-C-T. GRCh37 (hg19) VCF-style: chr12-111348961-C-T.
Other names: short protein forms A141T.
Identifiers: ClinVar variation 178948 (VCV000178948.22), dbSNP rs727504559, ClinGen allele CA010334.

ClinVar aggregate classification (germline): Conflicting classifications of pathogenicity. Review status: criteria provided, conflicting classifications (1 of 4 stars). 7 submissions from 7 submitters: Likely pathogenic (1); Uncertain significance (6). Last evaluated 2026-09-12.

Conditions:
Cardiovascular phenotype. Identifiers: MedGen CN230736.
Primary dilated cardiomyopathy (DCM). Also called: Dilated Cardiomyopathy. Identifiers: Orphanet 217604, MedGen C0007193, MeSH D002311, MONDO:0005021, HP:0001644. Inheritance: Various modes of inheritance.
Hypertrophic cardiomyopathy 10. Also called: CARDIOMYOPATHY, HYPERTROPHIC, MID-LEFT VENTRICULAR CHAMBER TYPE, 2; MYL2-Related Familial Hypertrophic Cardiomyopathy. Identifiers: MedGen C1834460, MONDO:0012112, OMIM 608758.
MYL2-related disorder. Also called: MYL2-related condition; MYL2-related disease; MYL2-related disorders.

Submissions (7):

GeneDx
Classification: Uncertain significance. Last evaluated: 2026-09-12. Review status: criteria provided, single submitter. Criteria: GeneDx Variant Classification Process June 2021. Collection method: clinical testing. Allele origin: germline.
Comment: Identified in a patient with noncompaction cardiomyopathy and in a patient with dilated cardiomyopathy, but familial segregation information and additional clinical information were not included (PMID: 29447731, 33954932); Not observed at significant frequency in large population cohorts (gnomAD); In silico analysis suggests that this missense variant does not alter protein structure/function; This variant is associated with the following publications: (PMID: 30706179, 29447731, 33954932, 38489124)

Ambry Genetics
Classification: Uncertain significance for Cardiovascular phenotype. Last evaluated: 2026-01-07. Review status: criteria provided, single submitter. Criteria: Ambry Variant Classification Scheme 2023. Collection method: clinical testing. Allele origin: germline.
Comment: The p.A141T variant (also known as c.421G>A), located in coding exon 7 of the MYL2 gene, results from a G to A substitution at nucleotide position 421. The alanine at codon 141 is replaced by threonine, an amino acid with similar properties. This variant was reported in individual(s) with features consistent with noncompaction cardiomyopathy and dilated cardiomyopathy (van Waning JI et al. J Am Coll Cardiol, 2018 Feb;71:711-722; Janin A et al. Mol Diagn Ther, 2021 May;25:373-385; Murphy J et al. Ir J Med Sci, 2024 Aug;193:1775-1785). This amino acid position is highly conserved in available vertebrate species. In addition, the in silico prediction for this alteration is inconclusive. Based on the available evidence, the clinical significance of this variant remains unclear.

Labcorp Genetics (formerly Invitae), Labcorp
Classification: Uncertain significance for Hypertrophic cardiomyopathy 10. Last evaluated: 2025-03-11. Review status: criteria provided, single submitter. Criteria: Invitae Variant Classification Sherloc (09022015). Collection method: clinical testing. Allele origin: germline.
Comment: This sequence change replaces alanine, which is neutral and non-polar, with threonine, which is neutral and polar, at codon 141 of the MYL2 protein (p.Ala141Thr). This variant is not present in population databases (gnomAD no frequency). This missense change has been observed in individual(s) with clinical features of MYL2-related conditions (internal data). ClinVar contains an entry for this variant (Variation ID: 178948). An algorithm developed to predict the effect of missense changes on protein structure and function (PolyPhen-2) suggests that this variant is likely to be disruptive. In summary, the available evidence is currently insufficient to determine the role of this variant in disease. Therefore, it has been classified as a Variant of Uncertain Significance.

Blueprint Genetics
Classification: Likely pathogenic for MYL2-related disorders. Last evaluated: 2021-01-25. Review status: criteria provided, single submitter. Criteria: ACMG Guidelines, 2015. Collection method: clinical testing. Allele origin: germline. Affected: yes. Observed: 2 variant alleles.

Center for Advanced Laboratory Medicine, UC San Diego Health, University of California San Diego
Classification: Uncertain significance for Dilated cardiomyopathy. Last evaluated: 2019-05-08. Review status: criteria provided, single submitter. Criteria: ACMG Guidelines, 2015. Collection method: clinical testing. Allele origin: germline. Affected: yes. Observed: 1 variant allele.

Institute of Human Genetics, University of Leipzig Medical Center
Classification: Uncertain significance for Hypertrophic cardiomyopathy 10. Last evaluated: 2018-02-01. Review status: criteria provided, single submitter. Criteria: ACMG Guidelines, 2015. Collection method: clinical testing. Allele origin: germline. Affected: yes. Observed: 1 variant allele.

Laboratory for Molecular Medicine, Mass General Brigham Personalized Medicine
Classification: Uncertain significance. Last evaluated: 2013-05-03. Review status: criteria provided, single submitter. Criteria: LMM Criteria. Collection method: clinical testing. Allele origin: germline. Observed: 1 variant allele.
Comment: The Ala141Thr variant in MYL2 has not been reported in individuals with cardiomy opathy or in large population studies. Alanine (Ala) at position 141 is conserv ed across evolutionarily distinct species, increasing the likelihood that this c hange would not be tolerated. Other computational analyses (biochemical amino a cid properties, AlignGVGD, PolyPhen2, and SIFT) do not provide strong support fo r or against an impact to the protein. Additional information is needed to full y assess the clinical significance of the Ala141Thr variant.

Literature cited by the submitters: PubMed 29447731 (cited by Ambry Genetics); PubMed 33954932 (cited by Ambry Genetics); PubMed 38489124 (cited by Ambry Genetics).